The following is an entry in ClinVar:

NM_001353921.2(ARHGEF9):c.1022G>T (p.Arg341Leu)

Gene: ARHGEF9 (Cdc42 guanine nucleotide exchange factor 9; minus strand). Cytogenetic location: Xq11.1.
Variant type: single nucleotide variant.
Coding change: c.1022G>T on transcript NM_001353921.2 (MANE Select); coding-DNA position 1022, G replaced by T.
Protein change: p.Arg341Leu; replaces arginine 341 with leucine.
Molecular consequence: missense variant. On other transcripts: intron variant (5).
Genome position (GRCh38, 1-based): chrX:63,665,941, C>A on the plus strand (G>T on the coding strand, the complement: ARHGEF9 is on the minus strand). VCF-style: chrX-63665941-C-A. GRCh37 (hg19) VCF-style: chrX-62885821-C-A.
Other names: c.842G>T, p.Arg281Leu (NM_001173479.2); c.695G>T, p.Arg232Leu (NM_001173480.2, NM_001369042.1); c.938G>T, p.Arg313Leu (NM_001330495.2, NM_001369033.1, NM_001369034.1 and 6 more transcripts); c.1040G>T, p.Arg347Leu (NM_001353923.1); c.821G>T, p.Arg274Leu (NM_001353924.2, NM_001353926.2, NM_001369039.1 and 1 more transcripts); c.1001G>T, p.Arg334Leu (NM_001369030.1, NM_001369031.1, NM_001369032.1 and 1 more transcripts); c.945+8097G>T (NM_001353922.2); c.861+8097G>T (NM_001369041.1, NM_001353927.2); and 2 more; short protein forms R281L, R334L, R341L, R347L, R274L, R232L, R313L.
Identifiers: ClinVar variation 2128453 (VCV002128453.4), dbSNP rs1556347347, ClinGen allele CA413405601.
Genomic context (GRCh38, chrX:63,665,941, plus strand): 5'-GTTACCTTCTTGCAGAGGACCATCTGGTGGTCAAACAGGAAGAAGACCCGCTGCTGGTTG[C>A]GGCCGTAGGGCTGGTAGATCCAGGCCATCTCCCCAGTGTAGATCAGCTCCGAGCTCCTGT-3'
Protein context (NP_001340850.1, residues 331-351): EMAWIYQPYG[Arg341Leu]NQQRVFFLFD

ClinVar aggregate classification (germline): Uncertain significance (1 of 4 stars; one submission).

Conditions:
Developmental and epileptic encephalopathy, 8 (DEE8). Also called: HYPEREKPLEXIA AND EPILEPSY. Identifiers: Orphanet 163985, Orphanet 2076, MedGen C1845102, MONDO:0010375, OMIM 300607.

Submission:

Labcorp Genetics (formerly Invitae), Labcorp
Classification: Uncertain significance for Developmental and epileptic encephalopathy, 8. Last evaluated: 2022-08-16. Review status: criteria provided, single submitter. Criteria: Invitae Variant Classification Sherloc (09022015). Collection method: clinical testing. Allele origin: germline.
Comment: In summary, the available evidence is currently insufficient to determine the role of this variant in disease. Therefore, it has been classified as a Variant of Uncertain Significance. Algorithms developed to predict the effect of missense changes on protein structure and function (SIFT, PolyPhen-2, Align-GVGD) all suggest that this variant is likely to be disruptive. This variant has not been reported in the literature in individuals affected with ARHGEF9-related conditions. This variant is not present in population databases (gnomAD no frequency). This sequence change replaces arginine, which is basic and polar, with leucine, which is neutral and non-polar, at codon 334 of the ARHGEF9 protein (p.Arg334Leu).